The following is an entry in ClinVar:

ClinVar aggregate classification (germline): Conflicting classifications of pathogenicity. Review status: criteria provided, conflicting classifications (1 of 4 stars). 2 submissions from 2 submitters: Uncertain significance (1); Likely benign (1). Last evaluated 2026-08-01.

Allele frequency attached by ClinVar (database versions not stated): gnomAD exomes 0.00002; gnomAD 0.00003; TOPMed 0.00003; ExAC 0.00004.
gnomAD v4.1: 33 of 1,614,026 alleles (0.002%); highest among the groups gnomAD compares: Admixed American, 0.03%; no homozygotes.

Submissions (2):

CeGaT Center for Human Genetics Tuebingen
Classification: Likely benign. Last evaluated: 2026-08-01. Review status: criteria provided, single submitter. Criteria: CeGaT Center For Human Genetics Tuebingen Variant Classification Criteria Version 2. Collection method: clinical testing. Allele origin: germline. Affected: yes. Observed: 1 variant allele.
Comment: KNG1: BP4

Ambry Genetics
Classification: Uncertain significance. Last evaluated: 2021-12-14. Review status: criteria provided, single submitter. Criteria: Ambry Variant Classification Scheme 2023. Collection method: clinical testing. Allele origin: germline.

NM_001102416.3(KNG1):c.1345C>T (p.Arg449Cys)

Gene: KNG1 (kininogen 1; plus strand). Cytogenetic location: 3q27.3.
Variant type: single nucleotide variant.
Coding change: c.1345C>T on transcript NM_001102416.3 (MANE Select); coding-DNA position 1345, C replaced by T.
Protein change: p.Arg449Cys; replaces arginine 449 with cysteine.
Molecular consequence: missense variant. On other transcripts: intron variant (2).
Genome position (GRCh38, 1-based): chr3:186,741,741, C>T. VCF-style: chr3-186741741-C-T. GRCh37 (hg19) VCF-style: chr3-186459530-C-T.
Other names: c.1203+142C>T (NM_000893.4); c.1095+142C>T (NM_001166451.2); short protein forms R449C.
Identifiers: ClinVar variation 2271525 (VCV002271525.3), dbSNP rs200055961, ClinGen allele CA2746451.